The following is an entry in ClinVar:

NM_004813.4(PEX16):c.16C>T (p.Leu6Phe)

Gene: PEX16 (peroxisomal biogenesis factor 16; minus strand). Cytogenetic location: 11p11.2.
Variant type: single nucleotide variant.
Coding change: c.16C>T on transcript NM_004813.4 (MANE Select); coding-DNA position 16, C replaced by T.
Protein change: p.Leu6Phe; replaces leucine 6 with phenylalanine.
Molecular consequence: missense variant.
Genome position (GRCh38, 1-based): chr11:45,917,796, G>A on the plus strand (C>T on the coding strand, the complement: PEX16 is on the minus strand). VCF-style: chr11-45917796-G-A. GRCh37 (hg19) VCF-style: chr11-45939347-G-A.
Other names: c.16C>T, p.Leu6Phe (NM_057174.3); short protein forms L6F.
Identifiers: ClinVar variation 1366762 (VCV001366762.8), dbSNP rs2086855399, ClinGen allele CA380231260.

ClinVar aggregate classification (germline): Uncertain significance (1 of 4 stars; one submission).

Conditions:
Peroxisome biogenesis disorder. Identifiers: Orphanet 79189, MedGen C1832200, MONDO:0019234. Disease mechanism: loss of function.

Allele frequency attached by ClinVar (database versions not stated): gnomAD exomes below 0.00001; TOPMed 0.00001.

Submission:

Labcorp Genetics (formerly Invitae), Labcorp
Classification: Uncertain significance for Peroxisome biogenesis disorder. Last evaluated: 2021-07-12. Review status: criteria provided, single submitter. Criteria: Invitae Variant Classification Sherloc (09022015). Collection method: clinical testing. Allele origin: germline.
Comment: This sequence change replaces leucine with phenylalanine at codon 6 of the PEX16 protein (p.Leu6Phe). The leucine residue is moderately conserved and there is a small physicochemical difference between leucine and phenylalanine. This variant is not present in population databases (ExAC no frequency). This variant has not been reported in the literature in individuals affected with PEX16-related conditions. Algorithms developed to predict the effect of missense changes on protein structure and function are either unavailable or do not agree on the potential impact of this missense change (SIFT: "Tolerated"; PolyPhen-2: "Possibly Damaging"; Align-GVGD: "Class C0"). In summary, the available evidence is currently insufficient to determine the role of this variant in disease. Therefore, it has been classified as a Variant of Uncertain Significance.